The following is an entry in ClinVar:

ClinVar aggregate classification (germline): Likely benign (0 of 4 stars; one submission).

Conditions:
FYCO1-related disorder. Also called: FYCO1-related condition.

Allele frequency attached by ClinVar (database versions not stated): TOPMed below 0.00001.
gnomAD v4.1: 4 of 1,614,066 alleles (0.00025%); highest among the groups gnomAD compares: Non-Finnish European, 0.00034%; no homozygotes.

Submission:

PreventionGenetics, part of Exact Sciences
Classification: Likely benign for FYCO1-related condition. Last evaluated: 2021-09-03. Review status: no assertion criteria provided. Collection method: clinical testing. Allele origin: germline.
Comment: This variant is classified as likely benign based on ACMG/AMP sequence variant interpretation guidelines (Richards et al. 2015 PMID: 25741868, with internal and published modifications).

NM_024513.4(FYCO1):c.2761C>A (p.Arg921=)

Gene: FYCO1 (FYVE and coiled-coil domain autophagy adaptor 1; minus strand). Cytogenetic location: 3p21.31.
Variant type: single nucleotide variant.
Coding change: c.2761C>A on transcript NM_024513.4 (MANE Select); coding-DNA position 2761, C replaced by A.
Protein change: p.Arg921=; no amino-acid change (arginine 921 retained).
Molecular consequence: synonymous variant. On other transcripts: non-coding transcript variant (1).
Genome position (GRCh38, 1-based): chr3:45,966,573, G>T on the plus strand (C>A on the coding strand, the complement: FYCO1 is on the minus strand). VCF-style: chr3-45966573-G-T. GRCh37 (hg19) VCF-style: chr3-46008065-G-T.
Other names: c.2761C>A, p.Arg921= (NM_001386421.1, NM_001386422.1, NM_001386423.1 and 4 more transcripts); c.2641C>A, p.Arg881= (NM_001386426.1); c.2617C>A, p.Arg873= (NM_001386427.1); c.2161C>A, p.Arg721= (NM_001386430.1).
Identifiers: ClinVar variation 3059950 (VCV003059950.2), dbSNP rs778061823, ClinGen allele CA433590623.